The following is an entry in ClinVar:

NM_001298.3(CNGA3):c.530del (p.Leu177fs)

Gene: CNGA3 (cyclic nucleotide gated channel subunit alpha 3; plus strand). Cytogenetic location: 2q11.2.
Variant type: Deletion.
Coding change: c.530del on transcript NM_001298.3 (MANE Select); coding-DNA position 530, one base deleted (T; older notation c.530delT).
Protein change: p.Leu177fs; shifts the reading frame from leucine 177.
Molecular consequence: frameshift variant.
Genome position (GRCh38, 1-based): chr2:98,389,738, T deleted. VCF-style (leftmost placement, unchanged base first): chr2-98389737-CT-C. GRCh37 (hg19) VCF-style: chr2-99006200-CT-C.
Other names: c.476del, p.Leu159fs (NM_001079878.2); short protein forms L159fs, L177fs.
Identifiers: ClinVar variation 3717348 (VCV003717348.3).

ClinVar aggregate classification (germline): Pathogenic/Likely pathogenic. Review status: criteria provided, multiple submitters, no conflicts (2 of 4 stars). 2 submissions from 2 submitters: Pathogenic (1); Likely pathogenic (1). Last evaluated 2024-09-15.

Conditions:
CNGA3-related disorders.

Submissions (2):

Labcorp Genetics (formerly Invitae), Labcorp
Classification: Pathogenic. Last evaluated: 2024-09-15. Review status: criteria provided, single submitter. Criteria: Invitae Variant Classification Sherloc (09022015). Collection method: clinical testing. Allele origin: germline.
Comment: This sequence change creates a premature translational stop signal (p.Leu177Argfs*24) in the CNGA3 gene. It is expected to result in an absent or disrupted protein product. Loss-of-function variants in CNGA3 are known to be pathogenic (PMID: 14757870, 24903488, 25637600). This variant is not present in population databases (gnomAD no frequency). This variant has not been reported in the literature in individuals affected with CNGA3-related conditions. For these reasons, this variant has been classified as Pathogenic.

Blueprint Genetics
Classification: Likely pathogenic for CNGA3-related disorders. Last evaluated: 2019-03-01. Review status: criteria provided, single submitter. Criteria: ACMG Guidelines, 2015. Collection method: clinical testing. Allele origin: germline. Affected: yes. Observed: 2 variant alleles.

Literature cited by the submitters: PubMed 14757870 (cited by Labcorp Genetics (formerly Invitae), Labcorp); PubMed 24903488 (cited by Labcorp Genetics (formerly Invitae), Labcorp); PubMed 25637600 (cited by Labcorp Genetics (formerly Invitae), Labcorp).